The following is an entry in ClinVar:

ClinVar aggregate classification (germline): Conflicting classifications of pathogenicity. Review status: criteria provided, conflicting classifications (1 of 4 stars). 2 submissions from 2 submitters: Pathogenic (1); Uncertain significance (1). Last evaluated 2025-12-31.

Conditions:
Odonto-onycho-dermal dysplasia. Identifiers: Orphanet 2721, MedGen C0796093, MONDO:0009773, OMIM 257980.
Tooth agenesis, selective, 4 (STHAG4). Also called: SUCCEDANEOUS TEETH, AGENESIS OF; TOOTH AGENESIS, SELECTIVE, 4, WITH OR WITHOUT ECTODERMAL DYSPLASIA; LATERAL INCISORS, ABSENCE OF; LATERAL INCISORS, PEGGED OR MISSING. Identifiers: Orphanet 99798, MedGen C1835492, MONDO:0007881, OMIM 150400. Disease mechanism: loss of function.

gnomAD v4.1: 21 of 1,593,440 alleles (0.0013%); highest among the groups gnomAD compares: Non-Finnish European, 0.0018%; no homozygotes.

Submissions (2):

GeneDx
Classification: Uncertain significance. Last evaluated: 2025-12-31. Review status: criteria provided, single submitter. Criteria: GeneDx Variant Classification Process June 2021. Collection method: clinical testing. Allele origin: germline. Affected: yes.
Comment: Not observed at significant frequency in large population cohorts (gnomAD); In silico analysis supports that this missense variant has a deleterious effect on protein structure/function; Has not been previously published as pathogenic or benign to our knowledge

Labcorp Genetics (formerly Invitae), Labcorp
Classification: Pathogenic for Tooth agenesis, selective, 4; Odonto-onycho-dermal dysplasia. Last evaluated: 2023-09-08. Review status: criteria provided, single submitter. Criteria: Invitae Variant Classification Sherloc (09022015). Collection method: clinical testing. Allele origin: germline.
Comment: For these reasons, this variant has been classified as Pathogenic. Advanced modeling of protein sequence and biophysical properties (such as structural, functional, and spatial information, amino acid conservation, physicochemical variation, residue mobility, and thermodynamic stability) performed at Invitae indicates that this missense variant is expected to disrupt WNT10A protein function. ClinVar contains an entry for this variant (Variation ID: 950198). This missense change has been observed in individual(s) with clinical features of ectodermal dysplasia (Invitae). In at least one individual the data is consistent with being in trans (on the opposite chromosome) from a pathogenic variant. It has also been observed to segregate with disease in related individuals. This variant is present in population databases (no rsID available, gnomAD 0.001%). This sequence change replaces cysteine, which is neutral and slightly polar, with glycine, which is neutral and non-polar, at codon 372 of the WNT10A protein (p.Cys372Gly).

NM_025216.3(WNT10A):c.1114T>G (p.Cys372Gly)

Gene: WNT10A (Wnt family member 10A; plus strand). Cytogenetic location: 2q35.
Variant type: single nucleotide variant.
Coding change: c.1114T>G on transcript NM_025216.3 (MANE Select); coding-DNA position 1114, T replaced by G.
Protein change: p.Cys372Gly; replaces cysteine 372 with glycine.
Molecular consequence: missense variant.
Genome position (GRCh38, 1-based): chr2:218,893,131, T>G. VCF-style: chr2-218893131-T-G. GRCh37 (hg19) VCF-style: chr2-219757853-T-G.
Other names: short protein forms C372G.
Identifiers: ClinVar variation 950198 (VCV000950198.11), dbSNP rs1487577386, ClinGen allele CA350591634.